The following is an entry in ClinVar:

NM_016151.4(TAOK2):c.2092G>A (p.Val698Met)

Gene: TAOK2 (TAO kinase 2; plus strand). Cytogenetic location: 16p11.2.
Variant type: single nucleotide variant.
Coding change: c.2092G>A on transcript NM_016151.4 (MANE Select); coding-DNA position 2092, G replaced by A.
Protein change: p.Val698Met; replaces valine 698 with methionine.
Molecular consequence: missense variant.
Genome position (GRCh38, 1-based): chr16:29,986,364, G>A. VCF-style: chr16-29986364-G-A. GRCh37 (hg19) VCF-style: chr16-29997685-G-A.
Other names: c.2092G>A, p.Val698Met (NM_001252043.2, NM_004783.4); c.2092G>A (NM_016151.2); short protein forms V698M.
Identifiers: ClinVar variation 2792588 (VCV002792588.4), dbSNP rs541201834, ClinGen allele CA7998309.

ClinVar aggregate classification (germline): Uncertain significance. Review status: criteria provided, multiple submitters, no conflicts (2 of 4 stars). 2 submissions from 2 submitters: Uncertain significance (2). Last evaluated 2025-11-03.

Allele frequency attached by ClinVar (database versions not stated): gnomAD 0.00001; TOPMed 0.00001; 1000 Genomes Project 30x 0.00016; 1000 Genomes Project 0.00020.

Submissions (2):

Ambry Genetics
Classification: Uncertain significance. Last evaluated: 2025-11-03. Review status: criteria provided, single submitter. Criteria: Ambry Variant Classification Scheme 2023. Collection method: clinical testing. Allele origin: germline.

Labcorp Genetics (formerly Invitae), Labcorp
Classification: Uncertain significance. Last evaluated: 2024-06-12. Review status: criteria provided, single submitter. Criteria: Invitae Variant Classification Sherloc (09022015). Collection method: clinical testing. Allele origin: germline.
Comment: This sequence change replaces valine, which is neutral and non-polar, with methionine, which is neutral and non-polar, at codon 698 of the TAOK2 protein (p.Val698Met). The frequency data for this variant in the population databases is considered unreliable, as metrics indicate poor data quality at this position in the gnomAD database. This variant has not been reported in the literature in individuals affected with TAOK2-related conditions. An algorithm developed to predict the effect of missense changes on protein structure and function (PolyPhen-2) suggests that this variant is likely to be tolerated. In summary, the available evidence is currently insufficient to determine the role of this variant in disease. Therefore, it has been classified as a Variant of Uncertain Significance.